The following is an entry in ClinVar:

NM_002439.5(MSH3):c.896C>G (p.Ala299Gly)

Gene: MSH3 (mutS homolog 3; plus strand). Cytogenetic location: 5q14.1.
Variant type: single nucleotide variant.
Coding change: c.896C>G on transcript NM_002439.5 (MANE Select); coding-DNA position 896, C replaced by G.
Protein change: p.Ala299Gly; replaces alanine 299 with glycine.
Molecular consequence: missense variant.
Genome position (GRCh38, 1-based): chr5:80,672,347, C>G. VCF-style: chr5-80672347-C-G. GRCh37 (hg19) VCF-style: chr5-79968166-C-G.
Other names: short protein forms A299G.
Identifiers: ClinVar variation 1513861 (VCV001513861.8), dbSNP rs1580551915, ClinGen allele CA360267270.
Genomic context (GRCh38, chr5:80,672,347, plus strand): 5'-ACTTTATGACAGCAAGTATACCTACTCACAGACTGTTTGTTCATGTACGCCGCCTGGTGG[C>G]AAAAGGATATAAGGTCAGCTTTGGCTTTAACTTGTGGGGAAAGGAAATTGGGATTCTCCT-3'
Protein context (NP_002430.3, residues 289-309): RLFVHVRRLV[Ala299Gly]KGYKVGVVKQ

ClinVar aggregate classification (germline): Uncertain significance (1 of 4 stars; one submission).

Allele frequency attached by ClinVar (database versions not stated): TOPMed below 0.00001.

Submission:

Labcorp Genetics (formerly Invitae), Labcorp
Classification: Uncertain significance. Last evaluated: 2022-10-13. Review status: criteria provided, single submitter. Criteria: Invitae Variant Classification Sherloc (09022015). Collection method: clinical testing. Allele origin: germline.
Comment: This sequence change replaces alanine, which is neutral and non-polar, with glycine, which is neutral and non-polar, at codon 299 of the MSH3 protein (p.Ala299Gly). This variant is not present in population databases (gnomAD no frequency). This variant has not been reported in the literature in individuals affected with MSH3-related conditions. ClinVar contains an entry for this variant (Variation ID: 1513861). Algorithms developed to predict the effect of missense changes on protein structure and function are either unavailable or do not agree on the potential impact of this missense change (SIFT: "Tolerated"; PolyPhen-2: "Possibly Damaging"; Align-GVGD: "Class C0"). In summary, the available evidence is currently insufficient to determine the role of this variant in disease. Therefore, it has been classified as a Variant of Uncertain Significance.